The following is an entry in ClinVar:

NM_000384.3(APOB):c.13613T>G (p.Leu4538Ter)

Genes: APOB (apolipoprotein B; minus strand), APOB3'MAR (APOB 3' scaffold/matrix attachment region; plus strand). Cytogenetic location: 2p24.1.
Variant type: single nucleotide variant.
Coding change: c.13613T>G on transcript NM_000384.3 (MANE Select); coding-DNA position 13613, T replaced by G.
Protein change: p.Leu4538Ter; replaces leucine 4538 with a stop codon.
Molecular consequence: nonsense.
Genome position (GRCh38, 1-based): chr2:21,001,809, A>C on the plus strand (T>G on the coding strand, the complement: APOB is on the minus strand). VCF-style: chr2-21001809-A-C. GRCh37 (hg19) VCF-style: chr2-21224681-A-C.
Other names: short protein forms L4538*.
Identifiers: ClinVar variation 546037 (VCV000546037.2), dbSNP rs1553382221, ClinGen allele CA345966998.

ClinVar aggregate classification (germline): Uncertain significance (1 of 4 stars; one submission).

Submission:

GeneDx
Classification: Uncertain significance. Last evaluated: 2018-05-09. Review status: criteria provided, single submitter. Criteria: GeneDx Variant Classification (06012015). Collection method: clinical testing. Allele origin: germline. Affected: yes.
Comment: A variant of uncertain significance has been identified in the APOB gene. The L4538X variant has not been published as pathogenic or been reported as benign to our knowledge. This variant is also not observed in large population cohorts (Lek et al., 2016). The L4538X variant is predicted to cause protein truncation due to the loss of the last 26 amino acids of the apolipoprotein B protein. However, no downstream nonsense variants in the APOB gene have been reported in the Human Gene Mutation Database in association with FH (Stenson et al., 2014). Additionally, this variant has not been observed in a significant number of affected individuals, and it lacks both segregation and functional studies which would further clarify its pathogenicity.